The following is an entry in ClinVar:

ClinVar aggregate classification (germline): Uncertain significance (1 of 4 stars; one submission).

Allele frequency attached by ClinVar (database versions not stated): gnomAD exomes below 0.00001.
gnomAD v4.1: 1 of 1,608,924 alleles (0.000062%); highest among the groups gnomAD compares: Admixed American, 0.0017%; no homozygotes.

Submission:

Labcorp Genetics (formerly Invitae), Labcorp
Classification: Uncertain significance. Last evaluated: 2021-11-18. Review status: criteria provided, single submitter. Criteria: Invitae Variant Classification Sherloc (09022015). Collection method: clinical testing. Allele origin: germline.
Comment: This sequence change replaces tyrosine, which is neutral and polar, with cysteine, which is neutral and slightly polar, at codon 233 of the PLAA protein (p.Tyr233Cys). This variant is present in population databases (no rsID available, gnomAD 0.003%). This variant has not been reported in the literature in individuals affected with PLAA-related conditions. Algorithms developed to predict the effect of missense changes on protein structure and function (SIFT, PolyPhen-2, Align-GVGD) all suggest that this variant is likely to be disruptive. In summary, the available evidence is currently insufficient to determine the role of this variant in disease. Therefore, it has been classified as a Variant of Uncertain Significance.

NM_001031689.3(PLAA):c.698A>G (p.Tyr233Cys)

Gene: PLAA (phospholipase A2 activating protein; minus strand). Cytogenetic location: 9p21.2.
Variant type: single nucleotide variant.
Coding change: c.698A>G on transcript NM_001031689.3 (MANE Select); coding-DNA position 698, A replaced by G.
Protein change: p.Tyr233Cys; replaces tyrosine 233 with cysteine.
Molecular consequence: missense variant.
Genome position (GRCh38, 1-based): chr9:26,926,428, T>C on the plus strand (A>G on the coding strand, the complement: PLAA is on the minus strand). VCF-style: chr9-26926428-T-C. GRCh37 (hg19) VCF-style: chr9-26926426-T-C.
Other names: c.698A>G, p.Tyr233Cys (NM_001321546.2); short protein forms Y233C.
Identifiers: ClinVar variation 1470367 (VCV001470367.3), dbSNP rs1403326752, ClinGen allele CA373133506.